The following is an entry in ClinVar:

ClinVar aggregate classification (germline): Uncertain significance (1 of 4 stars; one submission).

Conditions:
Cardiovascular phenotype. Identifiers: MedGen CN230736.

Submission:

Ambry Genetics
Classification: Uncertain significance for Cardiovascular phenotype. Last evaluated: 2026-01-24. Review status: criteria provided, single submitter. Criteria: Ambry Variant Classification Scheme 2023. Collection method: clinical testing. Allele origin: germline.
Comment: The p.M709T variant (also known as c.2126T>C), located in coding exon 15 of the VCL gene, results from a T to C substitution at nucleotide position 2126. The methionine at codon 709 is replaced by threonine, an amino acid with similar properties. This amino acid position is conserved. In addition, the in silico prediction for this alteration is inconclusive. Based on the available evidence, the clinical significance of this variant remains unclear.

NM_014000.3(VCL):c.2126T>C (p.Met709Thr)

Gene: VCL (vinculin; plus strand). Cytogenetic location: 10q22.2.
Variant type: single nucleotide variant.
Coding change: c.2126T>C on transcript NM_014000.3 (MANE Select); coding-DNA position 2126, T replaced by C.
Protein change: p.Met709Thr; replaces methionine 709 with threonine.
Molecular consequence: missense variant.
Genome position (GRCh38, 1-based): chr10:74,103,923, T>C. VCF-style: chr10-74103923-T-C. GRCh37 (hg19) VCF-style: chr10-75863681-T-C.
Other names: c.2126T>C, p.Met709Thr (NM_003373.4); short protein forms M709T.
Identifiers: ClinVar variation 4824338 (VCV004824338.1).